The following is an entry in ClinVar:

NM_018136.5(ASPM):c.5233C>T (p.Arg1745Ter)

Gene: ASPM (assembly factor for spindle microtubules; minus strand). Cytogenetic location: 1q31.3.
Variant type: single nucleotide variant.
Coding change: c.5233C>T on transcript NM_018136.5 (MANE Select); coding-DNA position 5233, C replaced by T.
Protein change: p.Arg1745Ter; replaces arginine 1745 with a stop codon.
Molecular consequence: nonsense. On other transcripts: intron variant (1).
Genome position (GRCh38, 1-based): chr1:197,104,018, G>A on the plus strand (C>T on the coding strand, the complement: ASPM is on the minus strand). VCF-style: chr1-197104018-G-A. GRCh37 (hg19) VCF-style: chr1-197073148-G-A.
Other names: c.4066-7854C>T (NM_001206846.2); short protein forms R1745*.
Identifiers: ClinVar variation 157831 (VCV000157831.13), dbSNP rs587783248, ClinGen allele CA271055.

ClinVar aggregate classification (germline): Pathogenic/Likely pathogenic. Review status: criteria provided, multiple submitters, no conflicts (2 of 4 stars). 4 submissions from 4 submitters: Pathogenic (3); Likely pathogenic (1). Last evaluated 2025-05-13.

Conditions:
Microcephaly 5, primary, autosomal recessive (MCPH5). Also called: ASPM Primary Microcephaly. Identifiers: Orphanet 2512, MedGen C1837501, MONDO:0012106, OMIM 608716.

Allele frequency attached by ClinVar (database versions not stated): gnomAD exomes below 0.00001.
gnomAD v4.1: 5 of 1,612,422 alleles (0.00031%); highest among the groups gnomAD compares: Admixed American, 0.0017%; no homozygotes.

Submissions (4):

Dasa
Classification: Likely pathogenic. Last evaluated: 2025-05-13. Review status: criteria provided, single submitter. Criteria: DASA Assertion Criteria. Collection method: clinical testing. Allele origin: germline.
Comment: NM_018136.5(ASPM):c.5233C>T (p.Arg1745*) is a nonsense variant in ASPM predicted to introduce a premature termination codon and is predicted to result in an absent or altered protein product. Loss of function is an established disease mechanism for ASPM-associated disorders. Also, this variant is rare in population databases. Based on the currently available evidence, this variant is classified as likely pathogenic.

Genome-Nilou Lab
Classification: Pathogenic for Microcephaly 5, primary, autosomal recessive. Last evaluated: 2023-04-11. Review status: criteria provided, single submitter. Criteria: ACMG Guidelines, 2015. Collection method: clinical testing. Allele origin: germline. Affected: no.

Labcorp Genetics (formerly Invitae), Labcorp
Classification: Pathogenic. Last evaluated: 2022-03-29. Review status: criteria provided, single submitter. Criteria: Invitae Variant Classification Sherloc (09022015). Collection method: clinical testing. Allele origin: germline.
Comment: This sequence change creates a premature translational stop signal (p.Arg1745*) in the ASPM gene. It is expected to result in an absent or disrupted protein product. Loss-of-function variants in ASPM are known to be pathogenic (PMID: 19028728, 23611254). This variant is present in population databases (rs587783248, gnomAD 0.003%). This variant has not been reported in the literature in individuals affected with ASPM-related conditions. ClinVar contains an entry for this variant (Variation ID: 157831). For these reasons, this variant has been classified as Pathogenic.

Genetic Services Laboratory, University of Chicago
Classification: Pathogenic for Microcephaly 5, primary, autosomal recessive. Last evaluated: 2012-12-07. Review status: criteria provided, single submitter. Criteria: ACMG Guidelines, 2007. Collection method: clinical testing. Allele origin: germline. Inheritance: Autosomal recessive inheritance. Affected: yes.

Literature cited by the submitters: PubMed 19028728 (cited by Labcorp Genetics (formerly Invitae), Labcorp); PubMed 23611254 (cited by Labcorp Genetics (formerly Invitae), Labcorp).